The following is an entry in ClinVar:

NM_001352514.2(HLCS):c.1295T>C (p.Leu432Ser)

Gene: HLCS (holocarboxylase synthetase; minus strand). Cytogenetic location: 21q22.13.
Variant type: single nucleotide variant.
Coding change: c.1295T>C on transcript NM_001352514.2 (MANE Select); coding-DNA position 1295, T replaced by C.
Protein change: p.Leu432Ser; replaces leucine 432 with serine.
Molecular consequence: missense variant. On other transcripts: non-coding transcript variant (2).
Genome position (GRCh38, 1-based): chr21:36,936,591, A>G on the plus strand (T>C on the coding strand, the complement: HLCS is on the minus strand). VCF-style: chr21-36936591-A-G. GRCh37 (hg19) VCF-style: chr21-38308891-A-G.
Other names: c.854T>C, p.Leu285Ser (NM_000411.8, NM_001242784.3, NM_001242785.2 and 4 more transcripts); c.854T>C (NM_000411.6); short protein forms L285S, L432S.
Identifiers: ClinVar variation 2156520 (VCV002156520.2), dbSNP rs373572167, ClinGen allele CA10020603.
Genomic context (GRCh38, chr21:36,936,591, plus strand): 5'-CCCTGGAGCCTGCCGGGGCTGAGCCGGACGGGGCCTTCCTGGTACCTGCAGCCACTGCTC[A>G]AGACGCTGAGCTTCACCTCGCTCTGGTCAGCCTTGGAGAAAACCAAGTTCTGGACTGTCT-3'
Protein context (NP_001339443.1, residues 422-442): ADQSEVKLSV[Leu432Ser]SSGCRYQEGP

ClinVar aggregate classification (germline): Uncertain significance. Review status: criteria provided, multiple submitters, no conflicts (2 of 4 stars). 2 submissions from 2 submitters: Uncertain significance (2). Last evaluated 2024-07-06.

Conditions:
Holocarboxylase synthetase deficiency. Also called: MULTIPLE CARBOXYLASE DEFICIENCY, EARLY ONSET. Identifiers: Orphanet 79242, MedGen C0268581, MONDO:0009666, OMIM 253270.
Inborn genetic diseases. Identifiers: MedGen C0950123, MeSH D030342.

Allele frequency attached by ClinVar (database versions not stated): ExAC 0.00002; TOPMed 0.00002; gnomAD 0.00003; ESP Exome Variant Server 0.00008; gnomAD exomes 0.00011.
gnomAD v4.1: 166 of 1,614,094 alleles (0.01%); highest among the groups gnomAD compares: Non-Finnish European, 0.014%; no homozygotes.

Submissions (2):

Ambry Genetics
Classification: Uncertain significance for Inborn genetic diseases. Last evaluated: 2024-07-06. Review status: criteria provided, single submitter. Criteria: Ambry Variant Classification Scheme 2023. Collection method: clinical testing. Allele origin: germline.

Labcorp Genetics (formerly Invitae), Labcorp
Classification: Uncertain significance for Holocarboxylase synthetase deficiency. Last evaluated: 2021-11-23. Review status: criteria provided, single submitter. Criteria: Invitae Variant Classification Sherloc (09022015). Collection method: clinical testing. Allele origin: germline.
Comment: This sequence change replaces leucine, which is neutral and non-polar, with serine, which is neutral and polar, at codon 285 of the HLCS protein (p.Leu285Ser). This variant is present in population databases (rs373572167, gnomAD 0.004%). This variant has not been reported in the literature in individuals affected with HLCS-related conditions. Advanced modeling of protein sequence and biophysical properties (such as structural, functional, and spatial information, amino acid conservation, physicochemical variation, residue mobility, and thermodynamic stability) performed at Invitae indicates that this missense variant is expected to disrupt HLCS protein function. In summary, the available evidence is currently insufficient to determine the role of this variant in disease. Therefore, it has been classified as a Variant of Uncertain Significance.